The following is an entry in ClinVar:

NM_015915.5(ATL1):c.478T>C (p.Ser160Pro)

Gene: ATL1 (atlastin GTPase 1; plus strand). Cytogenetic location: 14q22.1.
Variant type: single nucleotide variant.
Coding change: c.478T>C on transcript NM_015915.5 (MANE Select); coding-DNA position 478, T replaced by C.
Protein change: p.Ser160Pro; replaces serine 160 with proline.
Molecular consequence: missense variant.
Genome position (GRCh38, 1-based): chr14:50,591,595, T>C. VCF-style: chr14-50591595-T-C. GRCh37 (hg19) VCF-style: chr14-51058313-T-C.
Other names: c.478T>C, p.Ser160Pro (NM_001127713.1, NM_181598.4); short protein forms S160P.
Identifiers: ClinVar variation 280749 (VCV000280749.9), dbSNP rs886041897, ClinGen allele CA10603244.
Genomic context (GRCh38, chr14:50,591,595, plus strand): 5'-GTTGCAGTGTTATTGATGGATACTCAGGGAACCTTTGATAGTCAGTCAACTTTGAGAGAT[T>C]CAGCCACAGTATTTGCCCTTAGCACAATGATCAGCTCAATACAGGTATGAAATAAGCCCA-3'
Protein context (NP_056999.2, residues 150-170): TFDSQSTLRD[Ser160Pro]ATVFALSTMI

ClinVar aggregate classification (germline): Conflicting classifications of pathogenicity. Review status: criteria provided, conflicting classifications (1 of 4 stars). 2 submissions from 2 submitters: Pathogenic (1); Uncertain significance (1). Last evaluated 2018-01-16.

Conditions:
Hereditary spastic paraplegia 3A (SPG3A). Also called: Spastic Paraplegia 3A; SPASTIC PARAPLEGIA 3, AUTOSOMAL DOMINANT; FAMILIAL SPASTIC PARAPLEGIA, AUTOSOMAL DOMINANT, 1; SPG3; STRUMPELL DISEASE; Spastic paraplegia 3A, autosomal dominant. Identifiers: Orphanet 100984, MedGen C2931355, MONDO:0008437, OMIM 182600.

Submissions (2):

Labcorp Genetics (formerly Invitae), Labcorp
Classification: Uncertain significance for Hereditary spastic paraplegia 3A. Last evaluated: 2018-01-16. Review status: criteria provided, single submitter. Criteria: Invitae Variant Classification Sherloc (09022015). Collection method: clinical testing. Allele origin: germline.
Comment: In summary, the available evidence is currently insufficient to determine the role of this variant in disease. Therefore, it has been classified as a Variant of Uncertain Significance. Algorithms developed to predict the effect of missense changes on protein structure and function do not agree on the potential impact of this missense change (SIFT: "Tolerated"; PolyPhen-2: "Possibly Damaging"; Align-GVGD: "Class C0"). This variant has not been reported in the literature in individuals with ATL1-related disease. ClinVar contains an entry for this variant (Variation ID: 280749). This variant is not present in population databases (ExAC no frequency). This sequence change replaces serine with proline at codon 160 of the ATL1 protein (p.Ser160Pro). The serine residue is highly conserved and there is a moderate physicochemical difference between serine and proline.

GeneDx
Classification: Pathogenic. Last evaluated: 2016-08-04. Review status: criteria provided, single submitter. Criteria: GeneDx Variant Classification (06012015). Collection method: clinical testing. Allele origin: germline. Affected: yes.
Comment: The S160P variant in the ATL1 gene has not been reported previously as a pathogenic variant, nor asa benign variant, to our knowledge. The S160P variant was not observed in approximately 6500individuals of European and African American ancestry in the NHLBI Exome Sequencing Project,indicating it is not a common benign variant in these populations. The S160P variant is anon-conservative amino acid substitution, which is likely to impact secondary protein structure asthese residues differ in polarity, charge, size and/or other properties. This substitution occurs at aposition that is conserved across species. In silico analysis is inconsistent in its predictions as towhether or not the variant is damaging to the protein structure/function. However, missense variantsin nearby residues (T156I, L157W, A161P, T162P, V163A) have been reported in the Human GeneMutation Database in association with spastic paraplegia (Stenson et al., 2014), supporting thefunctional importance of this region of the protein. We interpret S160P as a pathogenic variant.